The following is an entry in ClinVar:

NM_005051.3(QARS1):c.93G>A (p.Ala31=)

Genes: QARS1 (glutaminyl-tRNA synthetase 1; minus strand), LOC129936736 (ATAC-STARR-seq lymphoblastoid active region 19853; plus strand). Cytogenetic location: 3p21.31.
Variant type: single nucleotide variant.
Coding change: c.93G>A on transcript NM_005051.3 (MANE Select); coding-DNA position 93, G replaced by A.
Protein change: p.Ala31=; no amino-acid change (alanine 31 retained).
Molecular consequence: synonymous variant. On other transcripts: non-coding transcript variant (1).
Genome position (GRCh38, 1-based): chr3:49,104,641, C>T on the plus strand (G>A on the coding strand, the complement: QARS1 is on the minus strand). VCF-style: chr3-49104641-C-T. GRCh37 (hg19) VCF-style: chr3-49142074-C-T.
Other names: c.93G>A, p.Ala31= (NM_001272073.2).
Identifiers: ClinVar variation 383503 (VCV000383503.9), dbSNP rs768289723, ClinGen allele CA2392326.
Genomic context (GRCh38, chr3:49,104,641, plus strand): 5'-GTCTGCAAACCAGGCCGGGGGCAGAGGGGCTCGCACCTGAGTAGCGGCCTCGCGCAGCTG[C>T]GCGCTCAGAGCCGAGTTCTTGAGCGTCTCGCGGGCCTTCTGCTCGCTCAGGCCGAGGCTA-3'
Protein context (NP_005042.1, residues 21-41): RETLKNSALS[Ala31=]QLREAATQAQ

ClinVar aggregate classification (germline): Likely benign. Review status: criteria provided, multiple submitters, no conflicts (2 of 4 stars). 3 submissions from 3 submitters: Likely benign (3). Last evaluated 2024-02-23.

Conditions:
Diffuse cerebral and cerebellar atrophy - intractable seizures - progressive microcephaly syndrome. Also called: Microcephaly, progressive, with seizures and cerebral and cerebellar atrophy. Identifiers: Orphanet 404437, MedGen C4014239, MONDO:0014335, OMIM 615760.

Allele frequency attached by ClinVar (database versions not stated): gnomAD exomes below 0.00001 and 0.00001; ExAC 0.00001; gnomAD 0.00001; TOPMed 0.00002.
gnomAD v4.1: 7 of 1,606,118 alleles (0.00044%); highest among the groups gnomAD compares: Non-Finnish European, 0.0006%; no homozygotes.

Submissions (3):

Labcorp Genetics (formerly Invitae), Labcorp
Classification: Likely benign for Diffuse cerebral and cerebellar atrophy - intractable seizures - progressive microcephaly syndrome. Last evaluated: 2024-02-23. Review status: criteria provided, single submitter. Criteria: Invitae Variant Classification Sherloc (09022015). Collection method: clinical testing. Allele origin: germline.

Blueprint Genetics
Classification: Likely benign. Last evaluated: 2022-10-31. Review status: criteria provided, single submitter. Criteria: ACMG Guidelines, 2015. Collection method: clinical testing. Allele origin: germline.

GeneDx
Classification: Likely benign. Last evaluated: 2016-02-24. Review status: criteria provided, single submitter. Criteria: GeneDx Variant Classification (06012015). Collection method: clinical testing. Allele origin: germline. Affected: yes.
Comment: This variant is considered likely benign or benign based on one or more of the following criteria: it is a conservative change, it occurs at a poorly conserved position in the protein, it is predicted to be benign by multiple in silico algorithms, and/or has population frequency not consistent with disease.